The following is an entry in ClinVar:

ClinVar aggregate classification (germline): Uncertain significance. Review status: criteria provided, multiple submitters, no conflicts (2 of 4 stars). 3 submissions from 3 submitters: Uncertain significance (3). Last evaluated 2025-04-14.

Conditions:
Inborn genetic diseases. Identifiers: MedGen C0950123, MeSH D030342.
Atypical glycine encephalopathy. Also called: Glycine encephalopathy with normal serum glycine. Identifiers: Orphanet 289863, MedGen C4310943, MONDO:0015010, OMIM 617301.

Allele frequency attached by ClinVar (database versions not stated): ExAC 0.00006; ESP Exome Variant Server 0.00008; gnomAD exomes 0.00008.
gnomAD v4.1: 52 of 1,606,092 alleles (0.0032%); highest among the groups gnomAD compares: Admixed American, 0.038%; no homozygotes.

Submissions (3):

Labcorp Genetics (formerly Invitae), Labcorp
Classification: Uncertain significance for Atypical glycine encephalopathy. Last evaluated: 2025-04-14. Review status: criteria provided, single submitter. Criteria: Invitae Variant Classification Sherloc (09022015). Collection method: clinical testing. Allele origin: germline.
Comment: This sequence change replaces arginine, which is basic and polar, with histidine, which is basic and polar, at codon 643 of the SLC6A9 protein (p.Arg643His). This variant is present in population databases (rs141553063, gnomAD 0.04%). This variant has not been reported in the literature in individuals affected with SLC6A9-related conditions. ClinVar contains an entry for this variant (Variation ID: 1504629). An algorithm developed to predict the effect of missense changes on protein structure and function (PolyPhen-2) suggests that this variant is likely to be tolerated. In summary, the available evidence is currently insufficient to determine the role of this variant in disease. Therefore, it has been classified as a Variant of Uncertain Significance.

Genomic Medicine Center of Excellence, King Faisal Specialist Hospital and Research Centre
Classification: Uncertain significance for Atypical glycine encephalopathy. Last evaluated: 2024-04-04. Review status: criteria provided, single submitter. Criteria: ACMG Guidelines, 2015. Collection method: clinical testing. Allele origin: germline.

Ambry Genetics
Classification: Uncertain significance for Inborn genetic diseases. Last evaluated: 2021-10-26. Review status: criteria provided, single submitter. Criteria: Ambry Variant Classification Scheme 2023. Collection method: clinical testing. Allele origin: germline.

NM_001024845.3(SLC6A9):c.1709G>A (p.Arg570His)

Gene: SLC6A9 (solute carrier family 6 member 9; minus strand). Cytogenetic location: 1p34.1.
Variant type: single nucleotide variant.
Coding change: c.1709G>A on transcript NM_001024845.3 (MANE Select); coding-DNA position 1709, G replaced by A.
Protein change: p.Arg570His; replaces arginine 570 with histidine.
Molecular consequence: missense variant. On other transcripts: non-coding transcript variant (1).
Genome position (GRCh38, 1-based): chr1:43,997,738, C>T on the plus strand (G>A on the coding strand, the complement: SLC6A9 is on the minus strand). VCF-style: chr1-43997738-C-T. GRCh37 (hg19) VCF-style: chr1-44463410-C-T.
Other names: c.1928G>A (NM_201649.2); c.1721G>A, p.Arg574His (NM_001261380.2); c.1376G>A, p.Arg459His (NM_001328626.2); c.1646G>A, p.Arg549His (NM_001328627.1); c.1514G>A, p.Arg505His (NM_001328628.1); c.1709G>A, p.Arg570His (NM_001328629.1); c.1205G>A, p.Arg402His (NM_001328630.2); c.1766G>A, p.Arg589His (NM_006934.4); and 1 more; short protein forms R549H, R402H, R505H, R589H, R459H, R570H, R574H, R643H.
Identifiers: ClinVar variation 1504629 (VCV001504629.10), dbSNP rs141553063, ClinGen allele CA817364.